The following is an entry in ClinVar:

NM_030773.4(TUBB1):c.658C>T (p.Pro220Ser)

Gene: TUBB1 (tubulin beta 1 class VI; plus strand). Cytogenetic location: 20q13.32.
Variant type: single nucleotide variant.
Coding change: c.658C>T on transcript NM_030773.4 (MANE Select); coding-DNA position 658, C replaced by T.
Protein change: p.Pro220Ser; replaces proline 220 with serine.
Molecular consequence: missense variant.
Genome position (GRCh38, 1-based): chr20:59,024,085, C>T. VCF-style: chr20-59024085-C-T. GRCh37 (hg19) VCF-style: chr20-57599140-C-T.
Other names: short protein forms P220S.
Identifiers: ClinVar variation 2171227 (VCV002171227.4), dbSNP rs544279242, ClinGen allele CA9928558.
Genomic context (GRCh38, chr20:59,024,085, plus strand): 5'-TTCTGCATTGACAATGAGGCCCTCTATGACATCTGCTTCCGTACCCTGAAGCTGACGACA[C>T]CCACCTATGGGGATCTCAACCACCTAGTGTCCTTGACCATGAGCGGCATAACCACCTCCC-3'
Protein context (NP_110400.1, residues 210-230): ICFRTLKLTT[Pro220Ser]TYGDLNHLVS

ClinVar aggregate classification (germline): Uncertain significance (1 of 4 stars; one submission).

gnomAD v4.1: 36 of 1,614,212 alleles (0.0022%); highest among the groups gnomAD compares: South Asian, 0.038%; no homozygotes.

Submission:

Labcorp Genetics (formerly Invitae), Labcorp
Classification: Uncertain significance. Last evaluated: 2022-08-31. Review status: criteria provided, single submitter. Criteria: Invitae Variant Classification Sherloc (09022015). Collection method: clinical testing. Allele origin: germline.
Comment: In summary, the available evidence is currently insufficient to determine the role of this variant in disease. Therefore, it has been classified as a Variant of Uncertain Significance. Algorithms developed to predict the effect of missense changes on protein structure and function are either unavailable or do not agree on the potential impact of this missense change (SIFT: "Not Available"; PolyPhen-2: "Probably Damaging"; Align-GVGD: "Not Available"). This variant has not been reported in the literature in individuals affected with TUBB1-related conditions. This variant is present in population databases (rs544279242, gnomAD 0.01%). This sequence change replaces proline, which is neutral and non-polar, with serine, which is neutral and polar, at codon 220 of the TUBB1 protein (p.Pro220Ser).